The following is an entry in ClinVar:

NM_003238.6(TGFB2):c.812G>A (p.Arg271Lys)

Gene: TGFB2 (transforming growth factor beta 2; plus strand). Cytogenetic location: 1q41.
Variant type: single nucleotide variant.
Coding change: c.812G>A on transcript NM_003238.6 (MANE Select); coding-DNA position 812, G replaced by A.
Protein change: p.Arg271Lys; replaces arginine 271 with lysine.
Molecular consequence: missense variant.
Genome position (GRCh38, 1-based): chr1:218,436,027, G>A. VCF-style: chr1-218436027-G-A. GRCh37 (hg19) VCF-style: chr1-218609369-G-A.
Other names: c.896G>A, p.Arg299Lys (NM_001135599.4); short protein forms R271K, R299K.
Identifiers: ClinVar variation 1762123 (VCV001762123.5), dbSNP rs370439281, ClinGen allele CA37620935.

ClinVar aggregate classification (germline): Uncertain significance. Review status: criteria provided, multiple submitters, no conflicts (2 of 4 stars). 2 submissions from 2 submitters: Uncertain significance (2). Last evaluated 2023-06-06.

Conditions:
Familial thoracic aortic aneurysm and aortic dissection (TAAD). Also called: Thoracic aortic aneurysms and dissections. Identifiers: Orphanet 91387, MedGen C4707243, MONDO:0019625.
Loeys-Dietz syndrome 4 (LDS4). Also called: ANEURYSM, AORTIC AND CEREBRAL, WITH ARTERIAL TORTUOSITY AND SKELETAL MANIFESTATIONS; TGFB2-Related Loeys-Dietz Syndrome. Identifiers: MedGen C3553762, MONDO:0013897, OMIM 614816.

Allele frequency attached by ClinVar (database versions not stated): gnomAD exomes below 0.00001; TOPMed 0.00002; gnomAD 0.00003; ESP Exome Variant Server 0.00008.
gnomAD v4.1: 8 of 1,613,770 alleles (0.0005%); highest among the groups gnomAD compares: African/African-American, 0.0093%; no homozygotes.

Submissions (2):

Labcorp Genetics (formerly Invitae), Labcorp
Classification: Uncertain significance for Loeys-Dietz syndrome 4. Last evaluated: 2023-06-06. Review status: criteria provided, single submitter. Criteria: Invitae Variant Classification Sherloc (09022015). Collection method: clinical testing. Allele origin: germline.
Comment: This sequence change replaces arginine, which is basic and polar, with lysine, which is basic and polar, at codon 271 of the TGFB2 protein (p.Arg271Lys). This variant is present in population databases (rs370439281, gnomAD 0.01%). In summary, the available evidence is currently insufficient to determine the role of this variant in disease. Therefore, it has been classified as a Variant of Uncertain Significance. Advanced modeling of protein sequence and biophysical properties (such as structural, functional, and spatial information, amino acid conservation, physicochemical variation, residue mobility, and thermodynamic stability) performed at Invitae indicates that this missense variant is not expected to disrupt TGFB2 protein function. ClinVar contains an entry for this variant (Variation ID: 1762123). This variant has not been reported in the literature in individuals affected with TGFB2-related conditions.

Ambry Genetics
Classification: Uncertain significance for Familial thoracic aortic aneurysm and aortic dissection. Last evaluated: 2021-10-07. Review status: criteria provided, single submitter. Criteria: Ambry Variant Classification Scheme 2023. Collection method: clinical testing. Allele origin: germline.
Comment: The p.R271K variant (also known as c.812G>A), located in coding exon 5 of the TGFB2 gene, results from a G to A substitution at nucleotide position 812. The arginine at codon 271 is replaced by lysine, an amino acid with highly similar properties. This amino acid position is conserved. In addition, this alteration is predicted to be tolerated by in silico analysis. Since supporting evidence is limited at this time, the clinical significance of this alteration remains unclear.